The following is an entry in ClinVar:

ClinVar aggregate classification (germline): Uncertain significance. Review status: criteria provided, multiple submitters, no conflicts (2 of 4 stars). 3 submissions from 3 submitters: Uncertain significance (3). Last evaluated 2026-02-06.

Conditions:
JPH2-related disorder. Also called: JPH2-related condition.
Hypertrophic cardiomyopathy. Also called: HYPERTROPHIC MYOCARDIOPATHY. Identifiers: Orphanet 217569, MedGen C0007194, MeSH D002312, MONDO:0005045, HP:0001639.
Cardiovascular phenotype. Identifiers: MedGen CN230736.

Allele frequency attached by ClinVar (database versions not stated): gnomAD exomes 0.00001 and 0.00015.
gnomAD v4.1: 7 of 1,393,244 alleles (0.0005%); highest among the groups gnomAD compares: Admixed American, 0.0037%; no homozygotes.

Submissions (3):

PreventionGenetics, part of Exact Sciences
Classification: Uncertain significance for JPH2-related condition. Last evaluated: 2026-02-06. Review status: criteria provided, single submitter. Criteria: ACMG Guidelines, 2015. Collection method: clinical testing. Allele origin: germline.
Comment: The JPH2 c.1465G>A variant is predicted to result in the amino acid substitution p.Gly489Arg. To our knowledge, this variant has not been reported in the literature. This variant is reported in 0.084% of alleles in individuals of South Asian descent in gnomAD; however, gnomAD indicates that allele frequency estimates may not be reliable. At this time, the clinical significance of this variant is uncertain due to the absence of conclusive functional and genetic evidence.

Labcorp Genetics (formerly Invitae), Labcorp
Classification: Uncertain significance for Hypertrophic cardiomyopathy. Last evaluated: 2025-11-13. Review status: criteria provided, single submitter. Criteria: Invitae Variant Classification Sherloc (09022015). Collection method: clinical testing. Allele origin: germline.
Comment: This sequence change replaces glycine, which is neutral and non-polar, with arginine, which is basic and polar, at codon 489 of the JPH2 protein (p.Gly489Arg). This variant is present in population databases (no rsID available, gnomAD 0.08%). This variant has not been reported in the literature in individuals affected with JPH2-related conditions. ClinVar contains an entry for this variant (Variation ID: 1424818). An algorithm developed to predict the effect of missense changes on protein structure and function (PolyPhen-2) suggests that this variant is likely to be tolerated. In summary, the available evidence is currently insufficient to determine the role of this variant in disease. Therefore, it has been classified as a Variant of Uncertain Significance.

Ambry Genetics
Classification: Uncertain significance for Cardiovascular phenotype. Last evaluated: 2025-07-02. Review status: criteria provided, single submitter. Criteria: Ambry Variant Classification Scheme 2023. Collection method: clinical testing. Allele origin: germline.

NM_020433.5(JPH2):c.1465G>A (p.Gly489Arg)

Gene: JPH2 (junctophilin 2; minus strand). Cytogenetic location: 20q13.12.
Variant type: single nucleotide variant.
Coding change: c.1465G>A on transcript NM_020433.5 (MANE Select); coding-DNA position 1465, G replaced by A.
Protein change: p.Gly489Arg; replaces glycine 489 with arginine.
Molecular consequence: missense variant.
Genome position (GRCh38, 1-based): chr20:44,116,210, C>T on the plus strand (G>A on the coding strand, the complement: JPH2 is on the minus strand). VCF-style: chr20-44116210-C-T. GRCh37 (hg19) VCF-style: chr20-42744850-C-T.
Other names: c.1465G>A (NM_020433.4); short protein forms G489R.
Identifiers: ClinVar variation 1424818 (VCV001424818.12), dbSNP rs1446439010, ClinGen allele CA409100575.
Genomic context (GRCh38, chr20:44,116,210, plus strand): 5'-GGCTCAGCAGGCCGTCCTTGGACACCCCGGGCCTGGGCCGCTTGGGCTGCGGGGGCGTCC[C>T]GGCCGGTGACGGGGAGCCACCCTCGGGCCGAGGGGTCTCACGCTCGTGCAGCTGCGGGCT-3'
Protein context (NP_065166.2, residues 479-499): RPEGGSPSPA[Gly489Arg]TPPQPKRPRP